The following is an entry in ClinVar:

ClinVar aggregate classification (germline): Uncertain significance (1 of 4 stars; one submission).

Conditions:
DNA ligase IV deficiency. Identifiers: Orphanet 99812, MedGen C1847827, MONDO:0011686, OMIM 606593.

Submission:

Labcorp Genetics (formerly Invitae), Labcorp
Classification: Uncertain significance for DNA ligase IV deficiency. Last evaluated: 2022-06-22. Review status: criteria provided, single submitter. Criteria: Invitae Variant Classification Sherloc (09022015). Collection method: clinical testing. Allele origin: germline.
Comment: Algorithms developed to predict the effect of missense changes on protein structure and function are either unavailable or do not agree on the potential impact of this missense change (SIFT: "Deleterious"; PolyPhen-2: "Probably Damaging"; Align-GVGD: "Class C0"). This variant has not been reported in the literature in individuals affected with LIG4-related conditions. This variant is not present in population databases (gnomAD no frequency). This sequence change replaces aspartic acid, which is acidic and polar, with glycine, which is neutral and non-polar, at codon 759 of the LIG4 protein (p.Asp759Gly). In summary, the available evidence is currently insufficient to determine the role of this variant in disease. Therefore, it has been classified as a Variant of Uncertain Significance.

NM_206937.2(LIG4):c.2276A>G (p.Asp759Gly)

Gene: LIG4 (DNA ligase 4; minus strand). Cytogenetic location: 13q33.3.
Variant type: single nucleotide variant.
Coding change: c.2276A>G on transcript NM_206937.2 (MANE Select); coding-DNA position 2276, A replaced by G.
Protein change: p.Asp759Gly; replaces aspartic acid 759 with glycine.
Molecular consequence: missense variant.
Genome position (GRCh38, 1-based): chr13:108,208,993, T>C on the plus strand (A>G on the coding strand, the complement: LIG4 is on the minus strand). VCF-style: chr13-108208993-T-C. GRCh37 (hg19) VCF-style: chr13-108861341-T-C.
Other names: c.2276A>G, p.Asp759Gly (NM_001098268.2, NM_001352598.2, NM_001352599.2 and 6 more transcripts); c.2075A>G, p.Asp692Gly (NM_001330595.2); c.2312A>G, p.Asp771Gly (NM_001352604.2); short protein forms D759G, D692G, D771G.
Identifiers: ClinVar variation 2009389 (VCV002009389.4), dbSNP rs2501582241, ClinGen allele CA388613628.
Genomic context (GRCh38, chr13:108,208,993, plus strand): 5'-GAGAATACTTCCTTCAGTTGGTTCAAGTCTGTATCAATGAAATAACTATCACCATAGCAA[T>C]CATATTCACGGGCAAAATGTTCTTTGGTTGATGGGCACATATGAATCATAAAGCGAGGCT-3'
Protein context (NP_996820.1, residues 749-769): STKEHFAREY[Asp759Gly]CYGDSYFIDT